The following is an entry in ClinVar:

ClinVar aggregate classification (germline): Likely benign. Review status: criteria provided, multiple submitters, no conflicts (2 of 4 stars). 2 submissions from 2 submitters: Likely benign (2). Last evaluated 2025-04-02.

Conditions:
NR3C1-related disorder. Also called: NR3C1-related condition.

gnomAD v4.1: 35 of 1,613,816 alleles (0.0022%); highest among the groups gnomAD compares: African/African-American, 0.021%; no homozygotes.

Submissions (2):

PreventionGenetics, part of Exact Sciences
Classification: Likely benign for NR3C1-related condition. Last evaluated: 2025-04-02. Review status: criteria provided, single submitter. Criteria: ACMG Guidelines, 2015. Collection method: clinical testing. Allele origin: germline.
Comment: This variant is classified as likely benign based on ACMG/AMP sequence variant interpretation guidelines (Richards et al. 2015 PMID: 25741868, with internal and published modifications).

Labcorp Genetics (formerly Invitae), Labcorp
Classification: Likely benign. Last evaluated: 2024-03-20. Review status: criteria provided, single submitter. Criteria: Invitae Variant Classification Sherloc (09022015). Collection method: clinical testing. Allele origin: germline.

NM_000176.3(NR3C1):c.1269G>A (p.Val423=)

Gene: NR3C1 (nuclear receptor subfamily 3 group C member 1; minus strand). Cytogenetic location: 5q31.3.
Variant type: single nucleotide variant.
Coding change: c.1269G>A on transcript NM_000176.3 (MANE Select); coding-DNA position 1269, G replaced by A.
Protein change: p.Val423=; no amino-acid change (valine 423 retained).
Molecular consequence: synonymous variant. On other transcripts: non-coding transcript variant (1).
Genome position (GRCh38, 1-based): chr5:143,314,084, C>T on the plus strand (G>A on the coding strand, the complement: NR3C1 is on the minus strand). VCF-style: chr5-143314084-C-T. GRCh37 (hg19) VCF-style: chr5-142693649-C-T.
Other names: c.1269G>A, p.Val423= (NM_001018074.1, NM_001018075.1, NM_001018076.2 and 10 more transcripts); c.1191G>A, p.Val397= (NM_001204258.2); c.1014G>A, p.Val338= (NM_001204259.2); c.1002G>A, p.Val334= (NM_001204260.2); c.978G>A, p.Val326= (NM_001204261.2); c.324G>A, p.Val108= (NM_001204262.2); c.279G>A, p.Val93= (NM_001204263.2); c.264G>A, p.Val88= (NM_001204264.2).
Identifiers: ClinVar variation 3628568 (VCV003628568.3).